The following is an entry in ClinVar:

NM_005055.5(RAPSN):c.238G>A (p.Asp80Asn)

Gene: RAPSN (receptor associated protein of the synapse; minus strand). Cytogenetic location: 11p11.2.
Variant type: single nucleotide variant.
Coding change: c.238G>A on transcript NM_005055.5 (MANE Select); coding-DNA position 238, G replaced by A.
Protein change: p.Asp80Asn; replaces aspartic acid 80 with asparagine.
Molecular consequence: missense variant.
Genome position (GRCh38, 1-based): chr11:47,448,105, C>T on the plus strand (G>A on the coding strand, the complement: RAPSN is on the minus strand). VCF-style: chr11-47448105-C-T. GRCh37 (hg19) VCF-style: chr11-47469657-C-T.
Other names: c.238G>A, p.Asp80Asn (NM_032645.5); c.238G>A (NM_005055.4); short protein forms D80N.
Identifiers: ClinVar variation 1416428 (VCV001416428.7), dbSNP rs781724566, ClinGen allele CA5976777.

ClinVar aggregate classification (germline): Uncertain significance. Review status: criteria provided, multiple submitters, no conflicts (2 of 4 stars). 3 submissions from 3 submitters: Uncertain significance (3). Last evaluated 2025-03-26.

Conditions:
Fetal akinesia deformation sequence 1 (FADS1). Also called: Pena-Shokeir syndrome type I; Fetal akinesia sequence. Identifiers: Orphanet 994, MedGen C1276035, MONDO:0100101, OMIM 208150, HP:0001989.
Congenital myasthenic syndrome 11. Also called: Myasthenic syndrome, congenital, 11, associated with acetylcholine receptor deficiency; MYASTHENIC SYNDROME, CONGENITAL, Ie. Identifiers: Orphanet 590, MedGen C4225367, MONDO:0014588, OMIM 616326.
Inborn genetic diseases. Identifiers: MedGen C0950123, MeSH D030342.

Allele frequency attached by ClinVar (database versions not stated): gnomAD exomes 0.00001; TOPMed 0.00001; ExAC 0.00002; gnomAD 0.00001.

Submissions (3):

Ambry Genetics
Classification: Uncertain significance for Inborn genetic diseases. Last evaluated: 2025-03-26. Review status: criteria provided, single submitter. Criteria: Ambry Variant Classification Scheme 2023. Collection method: clinical testing. Allele origin: germline.

Labcorp Genetics (formerly Invitae), Labcorp
Classification: Uncertain significance for Congenital myasthenic syndrome 11; Fetal akinesia deformation sequence 1. Last evaluated: 2024-02-24. Review status: criteria provided, single submitter. Criteria: Invitae Variant Classification Sherloc (09022015). Collection method: clinical testing. Allele origin: germline.
Comment: This sequence change replaces aspartic acid, which is acidic and polar, with asparagine, which is neutral and polar, at codon 80 of the RAPSN protein (p.Asp80Asn). This variant is present in population databases (rs781724566, gnomAD 0.007%). This variant has not been reported in the literature in individuals affected with RAPSN-related conditions. ClinVar contains an entry for this variant (Variation ID: 1416428). Advanced modeling of protein sequence and biophysical properties (such as structural, functional, and spatial information, amino acid conservation, physicochemical variation, residue mobility, and thermodynamic stability) performed at Invitae indicates that this missense variant is not expected to disrupt RAPSN protein function with a negative predictive value of 80%. In summary, the available evidence is currently insufficient to determine the role of this variant in disease. Therefore, it has been classified as a Variant of Uncertain Significance.

Revvity Omics, Revvity
Classification: Uncertain significance. Last evaluated: 2021-04-01. Review status: criteria provided, single submitter. Criteria: ACMG Guidelines, 2015. Collection method: clinical testing. Allele origin: germline.